The following is an entry in ClinVar:

NM_007294.4(BRCA1):c.5370T>A (p.Ser1790=)

Gene: BRCA1 (BRCA1 DNA repair associated; minus strand). Cytogenetic location: 17q21.31.
Variant type: single nucleotide variant.
Coding change: c.5370T>A on transcript NM_007294.4 (MANE Select); coding-DNA position 5370, T replaced by A.
Protein change: p.Ser1790=; no amino-acid change (serine 1790 retained).
Molecular consequence: synonymous variant. On other transcripts: intron variant (19).
Genome position (GRCh38, 1-based): chr17:43,049,157, A>T on the plus strand (T>A on the coding strand, the complement: BRCA1 is on the minus strand). VCF-style: chr17-43049157-A-T. GRCh37 (hg19) VCF-style: chr17-41201174-A-T.
Other names: c.1932T>A, p.Ser644= (NM_001408448.1, NM_001408450.1, NM_001408445.1 and 2 more transcripts); c.1926T>A, p.Ser642= (NM_001408451.1); c.1920T>A, p.Ser640= (NM_001408452.1, NM_001408453.1, NM_001408454.1 and 3 more transcripts); c.1917T>A, p.Ser639= (NM_001408458.1, NM_001408459.1, NM_001408460.1 and 7 more transcripts); c.1914T>A, p.Ser638= (NM_001408468.1, NM_001408469.1, NM_001408470.1); c.1860T>A, p.Ser620= (NM_001408474.1); c.1857T>A, p.Ser619= (NM_001408475.1, NM_001408476.1); c.1851T>A, p.Ser617= (NM_001408478.1, NM_001408479.1, NM_001408480.1); and 84 more.
Identifiers: ClinVar variation 865668 (VCV000865668.3), dbSNP rs2051083946, ClinGen allele CA500143301.
Genomic context (GRCh38, chr17:43,049,157, plus strand): 5'-TCTGACAGGGCACCCAATACTTACTGTGCCAAGGGTGAATGATGAAAGCTCCTTCACCAC[A>T]GAAGCACCACACAGCTGTACCATCCATTCCAGTTGATCTAAAATGGACATTTAGATGTAA-3'
Protein context (NP_009225.1, residues 1780-1800): LEWMVQLCGA[Ser1790=]VVKELSSFTL

Conditions:
Breast-ovarian cancer, familial, susceptibility to, 1 (BROVCA1). Also called: BRCA1 Hereditary Breast and Ovarian Cancer; OVARIAN CANCER, SUSCEPTIBILITY TO. Identifiers: Orphanet 145, MedGen C2676676, MONDO:0011450, OMIM 604370. Disease mechanism: loss of function.

Submission:

Brotman Baty Institute, University of Washington
No classification provided (evidence only). Condition: Breast-ovarian cancer, familial 1. Review status: no classification provided. Collection method: in vitro. Allele origin: not applicable. Functional consequence: functionally_normal.
ClinVar note: "not provided" was previously submitted as the classification for the variant. However, the classification appeared to be based only on an observation of functional data so it was converted to no classification on 2025-07-30.